The following is an entry in ClinVar:

NM_000256.3(MYBPC3):c.3697C>T (p.Gln1233Ter)

Gene: MYBPC3 (myosin binding protein C3; minus strand). Cytogenetic location: 11p11.2.
Variant type: single nucleotide variant.
Coding change: c.3697C>T on transcript NM_000256.3 (MANE Select); coding-DNA position 3697, C replaced by T.
Protein change: p.Gln1233Ter; replaces glutamine 1233 with a stop codon.
Molecular consequence: nonsense.
Genome position (GRCh38, 1-based): chr11:47,332,189, G>A on the plus strand (C>T on the coding strand, the complement: MYBPC3 is on the minus strand). VCF-style: chr11-47332189-G-A. GRCh37 (hg19) VCF-style: chr11-47353740-G-A.
Other names: p.Q1233*:CAG>TAG; p.Gln1233*; short protein forms Q1233*.
Identifiers: ClinVar variation 42735 (VCV000042735.77), dbSNP rs397516037, ClinGen allele CA014648.

ClinVar aggregate classification (germline): Pathogenic/Likely pathogenic. Review status: criteria provided, multiple submitters, no conflicts (2 of 4 stars). 33 submissions from 32 submitters: Pathogenic (29); Likely pathogenic (1). 3 of the submissions do not count toward it. Last evaluated 2026-07-21.

Conditions:
MYBPC3-related disorder. Also called: MYBPC3-related disorders; MYBPC3-related condition; MYBPC3-related disease.
Left ventricular noncompaction 10 (LVNC10). Identifiers: Orphanet 154, Orphanet 54260, MedGen C3715165, MONDO:0014163, OMIM 615396.
Hypertrophic cardiomyopathy 4. Also called: Familial hypertrophic cardiomyopathy 4. Identifiers: MedGen C1861862, MONDO:0007268, OMIM 115197.
Cardiovascular phenotype. Identifiers: MedGen CN230736.
Cardiomyopathy (CMYO). Also called: Cardiomyopathies. Identifiers: Orphanet 167848, MedGen C0878544, MONDO:0004994, HP:0001638. Inheritance: Various modes of inheritance.
Dilated cardiomyopathy 1I (CMD1I). Identifiers: Orphanet 154, MedGen C1858154, MONDO:0011482, OMIM 604765.
Primary familial hypertrophic cardiomyopathy (HCM). Identifiers: Orphanet 99739, MedGen C0949658, MeSH D024741, MONDO:0024573. Inheritance: Various modes of inheritance.
Hypertrophic cardiomyopathy. Also called: HYPERTROPHIC MYOCARDIOPATHY. Identifiers: Orphanet 217569, MedGen C0007194, MeSH D002312, MONDO:0005045, HP:0001639.
Left ventricular hypertrophy. Identifiers: MedGen C0149721, HP:0001712.

Allele frequency attached by ClinVar (database versions not stated): ExAC 0.00001; TOPMed 0.00001; gnomAD exomes 0.00001.
gnomAD v4.1: 14 of 1,613,864 alleles (0.00087%); highest among the groups gnomAD compares: Non-Finnish European, 0.0011%; no homozygotes.

Submissions 1 to 11 of 33:

Institute of Human Genetics, University of Leipzig Medical Center
Classification: Pathogenic for Hypertrophic cardiomyopathy 4. Last evaluated: 2026-07-21. Review status: criteria provided, single submitter. Criteria: ACMG Guidelines, 2015. Collection method: clinical testing. Allele origin: unknown. Affected: yes.
Comment: Criteria applied: PVS1, PM2_SUP, PP1, PS4

PreventionGenetics, part of Exact Sciences
Classification: Pathogenic for MYBPC3-related condition. Last evaluated: 2026-04-02. Review status: criteria provided, single submitter. Criteria: ACMG Guidelines, 2015. Collection method: clinical testing. Allele origin: germline.
Comment: The MYBPC3 c.3697C>T variant is predicted to result in premature protein termination (p.Gln1233*). This variant has been reported in the heterozygous state in many individuals with hypertrophic cardiomyopathy (HCM; see, for example, Erdmann et al. 2001. PubMed ID: 11499719; Table S1B, Walsh et al. 2017. PubMed ID: 27532257; Table S1, Chumakova et al. 2023. PubMed ID: 38002985) and has been shown to co segregate with the disease, exhibiting incomplete, age related penetrance in multiple unrelated families (see, for example, Ehlermann et al. 2008. PubMed ID: 18957093; Tóth et al. 2011. PubMed ID: 21985754; Table S2, Ross et al. 2017. PubMed ID: 28615295; Blagova et al. 2022. PubMed ID: 36011256). It has also been reported in individuals with left ventricular noncompaction (LVNC; Blagova et al. 2022. PubMed ID: 36011256; Meshkov et al. 2023. PubMed ID: 37342443). This variant is reported in 0.0018% of alleles in individuals of European (Non-Finnish) descent in gnomAD. Nonsense variants in MYBPC3 are expected to be pathogenic. This variant is interpreted as pathogenic.

Labcorp Genetics (formerly Invitae), Labcorp
Classification: Pathogenic for Hypertrophic cardiomyopathy. Last evaluated: 2026-01-27. Review status: criteria provided, single submitter. Criteria: Invitae Variant Classification Sherloc (09022015). Collection method: clinical testing. Allele origin: germline.
Comment: This sequence change creates a premature translational stop signal (p.Gln1233*) in the MYBPC3 gene. It is expected to result in an absent or disrupted protein product. Loss-of-function variants in MYBPC3 are known to be pathogenic (PMID: 19574547). This variant is present in population databases (rs397516037, gnomAD 0.002%). This premature translational stop signal has been observed in individuals with hypertrophic cardiomyopathy (PMID: 11499719, 18957093, 21985754). It has also been observed to segregate with disease in related individuals. ClinVar contains an entry for this variant (Variation ID: 42735). Algorithms developed to predict the effect of sequence changes on RNA splicing suggest that this variant may disrupt the consensus splice site. For these reasons, this variant has been classified as Pathogenic.

Victorian Clinical Genetics Services, Murdoch Childrens Research Institute
Classification: Pathogenic for Hypertrophic cardiomyopathy 4. Last evaluated: 2025-12-23. Review status: criteria provided, single submitter. Criteria: ACMG Guidelines, 2015. Collection method: clinical testing. Allele origin: germline. Affected: no.
Comment: This variant is classified as Pathogenic. Evidence in support of pathogenic classification: Variant is predicted to cause nonsense-mediated decay (NMD) and loss of protein (premature termination codon is located at least 54 nucleotides upstream of the final exon-exon junction); Variant is present in gnomAD <0.01 (v4: 14 heterozygote(s), 0 homozygote(s)); This variant has strong previous evidence of pathogenicity in unrelated individuals. This variant has been classified as pathogenic/likely pathogenic by clinical laboratories in ClinVar. Additional information: This gene is associated with both recessive and dominant disease. Dominant inheritance is frequently reported in adult onset conditions and recessive inheritance results in a more severe early onset phenotype (OMIM); Loss of function is a known mechanism of disease in this gene and is associated with hypertrophic cardiomyopathy 4 (HCM; MIM#115197); Variants in this gene are known to have variable expressivity (PMID: 32841044).

Petrovsky National Research Centre of Surgery, The Federal Agency for Scientific Organizations
Classification: Pathogenic for Primary familial hypertrophic cardiomyopathy. Last evaluated: 2025-12-22. Review status: criteria provided, single submitter. Criteria: ACMG Guidelines, 2015. Collection method: clinical testing. Allele origin: germline. Affected: yes. Observed: 1 variant allele.
Comment: The variant is in The Genome Aggregation Database (gnomAD) v4.1.0 with total 8.675e-06. (Date of access 2025-12-22). In accordance with ACMG (2015) criteria this variant is classified as Pathogenic with following criteria selected: PM2, PVS1, PP1_Strong, PS4_Strong.

Institute of Immunology and Genetics Kaiserslautern
Classification: Pathogenic for Hypertrophic cardiomyopathy 4. Last evaluated: 2025-05-13. Review status: criteria provided, single submitter. Criteria: ACMG Guidelines, 2015. Collection method: clinical testing. Allele origin: germline. Affected: yes.
Comment: ACMG Criteria: PVS1, PS4_M, PM2_P, PP1_M, PP5; Variant was found in heterozygous state.

North West Genomic Laboratory Hub, Manchester University NHS Foundation Trust
Classification: Pathogenic for Hypertrophic cardiomyopathy. Last evaluated: 2025-03-31. Review status: criteria provided, single submitter. Criteria: ACGS Best Practice Guidelines for Variant Classification in Rare Disease 2024. Collection method: clinical testing. Allele origin: germline. Affected: yes.
Comment: PS4_Str PVS1_VStr

Clinical Genetics Laboratory, University Hospital Schleswig-Holstein
Classification: Pathogenic for Hypertrophic cardiomyopathy 4. Last evaluated: 2025-03-26. Review status: criteria provided, single submitter. Criteria: ACMG Guidelines, 2015. Collection method: clinical testing. Allele origin: germline. Affected: yes. Observed: 1 heterozygote.
Comment: ACMG criteria applied: PM2, PS4, PVS1

Laboratory of Genetics, Children's Clinical University Hospital Latvia
Classification: Pathogenic. Last evaluated: 2025-02-16. Review status: criteria provided, single submitter. Criteria: ACMG Guidelines, 2015. Collection method: clinical testing. Allele origin: germline. Affected: yes.

New York Genome Center
Classification: Pathogenic for Hypertrophic cardiomyopathy 4; Left ventricular noncompaction 10. Last evaluated: 2025-01-23. Review status: criteria provided, single submitter. Criteria: NYGC Assertion Criteria 2020. Collection method: clinical testing. Allele origin: inherited. Observed: 1 variant allele, 1 heterozygote.
Comment: The heterozygous c.3697C>T variant in MYBPC3 has been reported in individuals with hypertrophic cardiomyopathy in the literature and variant was found to be co-segregated with disease phenotype in multiple unrelated families [PMID: 11499719, 18957093, 21985754, 25031304, 30025578, 34598319, 36011256, 37342443]. The c.3697C>T variant in MYBPC3 has been deposited in ClinVar [ClinVar ID: 42735] as Pathogenic/Likely pathogenic by multiple submitters with affected status provided by some submitters. The c.3697C>T variant is observed in 14 alleles (~0.0008% minor allele frequency with 0 homozygotes) in population database (gnomAD v4.1.0), suggesting it is not a common benign variant in the populations represented in that database. The c.3697C>T variant in MYBPC3 is located in exon 33 of this 35-exon gene, predicted to incorporate a premature termination codon (p.(Gln1233Ter)), and is expected to result in loss-of-function via nonsense mediated decay. Multiple loss-of-function variants that are downstream to the c.3697C>T variant have been reported in the literature [PMID: 20624503] and ClinVar [ClinVar IDs: 181019, 177818] in individuals with MYBPC3-related hypertrophic cardiomyopathy. Based on available evidence this inherited heterozygous c.3697C>T, p.(Gln1233Ter) variant identified in MYBPC3 in this sample is classified as Pathogenic.

Blueprint Genetics
Classification: Pathogenic for MYBPC3-related disorders. Last evaluated: 2024-10-07. Review status: criteria provided, single submitter. Criteria: ACMG Guidelines, 2015. Collection method: clinical testing. Allele origin: germline. Affected: yes. Observed: 5 variant alleles.